The following is an entry in ClinVar:

ClinVar aggregate classification (germline): Uncertain significance (1 of 4 stars; one submission).

gnomAD v4.1: 20 of 1,613,596 alleles (0.0012%); highest among the groups gnomAD compares: South Asian, 0.012%; no homozygotes.

Submission:

Labcorp Genetics (formerly Invitae), Labcorp
Classification: Uncertain significance. Last evaluated: 2024-12-09. Review status: criteria provided, single submitter. Criteria: Invitae Variant Classification Sherloc (09022015). Collection method: clinical testing. Allele origin: germline.
Comment: This sequence change replaces glutamic acid, which is acidic and polar, with lysine, which is basic and polar, at codon 262 of the CASZ1 protein (p.Glu262Lys). This variant is present in population databases (rs756472680, gnomAD 0.01%). This variant has not been reported in the literature in individuals affected with CASZ1-related conditions. ClinVar contains an entry for this variant (Variation ID: 2902418). An algorithm developed to predict the effect of missense changes on protein structure and function (PolyPhen-2) suggests that this variant is likely to be tolerated. In summary, the available evidence is currently insufficient to determine the role of this variant in disease. Therefore, it has been classified as a Variant of Uncertain Significance.

NM_001079843.3(CASZ1):c.784G>A (p.Glu262Lys)

Gene: CASZ1 (castor zinc finger 1; minus strand). Cytogenetic location: 1p36.22.
Variant type: single nucleotide variant.
Coding change: c.784G>A on transcript NM_001079843.3 (MANE Select); coding-DNA position 784, G replaced by A.
Protein change: p.Glu262Lys; replaces glutamic acid 262 with lysine.
Molecular consequence: missense variant.
Genome position (GRCh38, 1-based): chr1:10,660,258, C>T on the plus strand (G>A on the coding strand, the complement: CASZ1 is on the minus strand). VCF-style: chr1-10660258-C-T. GRCh37 (hg19) VCF-style: chr1-10720315-C-T.
Other names: c.784G>A, p.Glu262Lys (NM_017766.5); short protein forms E262K.
Identifiers: ClinVar variation 2902418 (VCV002902418.3), dbSNP rs756472680, ClinGen allele CA585317.